The following is an entry in ClinVar:

NM_000038.6(APC):c.422+876C>G

Gene: APC (APC regulator of WNT signaling pathway; plus strand). Cytogenetic location: 5q22.2.
Variant type: single nucleotide variant.
Coding change: c.422+876C>G on transcript NM_000038.6 (MANE Select); 876 bases into the intron after coding-DNA position 422, C replaced by G.
Molecular consequence: intron variant.
Genome position (GRCh38, 1-based): chr5:112,768,266, C>G. VCF-style: chr5-112768266-C-G. GRCh37 (hg19) VCF-style: chr5-112103963-C-G.
Other names: c.422+876C>G (NM_001354895.2, NM_001127510.3, NM_001354896.2 and 2 more transcripts); c.452+876C>G (NM_001354897.2, NM_001354902.2, NM_001127511.3); c.347+876C>G (NM_001354898.2, NM_001354904.2); c.-614+876C>G (NM_001354906.2); c.245+876C>G (NM_001354900.2, NM_001354901.2, NM_001354905.2).
Identifiers: ClinVar variation 82878 (VCV000082878.2), dbSNP rs2546117, ClinGen allele CA009123.

ClinVar aggregate classification (germline): other (0 of 4 stars; one submission).

Conditions:
Familial colorectal cancer. Identifiers: MedGen CN280943, MONDO:0023113. Disease mechanism: loss of function.

Allele frequency attached by ClinVar (database versions not stated): gnomAD 0.39327 and 0.40571; TOPMed 0.40978; 1000 Genomes Project 30x 0.43457; 1000 Genomes Project 0.43750.
gnomAD v4.1: 61,468 of 151,080 alleles (41%); highest among the groups gnomAD compares: East Asian, 65%; 14,824 homozygotes.

Submission:

Systems Biology Platform Zhejiang California International NanoSystems Institute
Classification: other for Familial colorectal cancer. Review status: no assertion criteria provided. Collection method: not provided. Allele origin: unknown.
ClinVar note: Converted during submission from cancer to other.